The following is an entry in ClinVar:

ClinVar aggregate classification (germline): Uncertain significance (1 of 4 stars; one submission).

Conditions:
Candidiasis, familial, 9 (CANDF9). Identifiers: Orphanet 1334, MedGen C4225324, MONDO:0014642, OMIM 616445.

Allele frequency attached by ClinVar (database versions not stated): gnomAD exomes below 0.00001; ExAC 0.00002.

Submission:

Labcorp Genetics (formerly Invitae), Labcorp
Classification: Uncertain significance for Candidiasis, familial, 9. Last evaluated: 2023-08-11. Review status: criteria provided, single submitter. Criteria: Invitae Variant Classification Sherloc (09022015). Collection method: clinical testing. Allele origin: germline.
Comment: In summary, the available evidence is currently insufficient to determine the role of this variant in disease. Therefore, it has been classified as a Variant of Uncertain Significance. An algorithm developed to predict the effect of missense changes on protein structure and function (PolyPhen-2) suggests that this variant is likely to be tolerated. This variant has not been reported in the literature in individuals affected with IL17RC-related conditions. This variant is present in population databases (rs761652113, gnomAD 0.002%). This sequence change replaces isoleucine, which is neutral and non-polar, with asparagine, which is neutral and polar, at codon 124 of the IL17RC protein (p.Ile124Asn).

NM_153460.4(IL17RC):c.158T>A (p.Ile53Asn)

Gene: IL17RC (interleukin 17 receptor C; plus strand). Cytogenetic location: 3p25.3.
Variant type: single nucleotide variant.
Coding change: c.158T>A on transcript NM_153460.4 (MANE Select); coding-DNA position 158, T replaced by A.
Protein change: p.Ile53Asn; replaces isoleucine 53 with asparagine.
Molecular consequence: missense variant. On other transcripts: non-coding transcript variant (1).
Genome position (GRCh38, 1-based): chr3:9,917,953, T>A. VCF-style: chr3-9917953-T-A. GRCh37 (hg19) VCF-style: chr3-9959637-T-A.
Other names: c.158T>A, p.Ile53Asn (NM_001203263.2, NM_001203264.2, NM_001203265.2 and 5 more transcripts); c.371T>A, p.Ile124Asn (NM_153461.4); short protein forms I53N, I124N.
Identifiers: ClinVar variation 2981408 (VCV002981408.3), dbSNP rs761652113, ClinGen allele CA2246750.
Genomic context (GRCh38, chr3:9,917,953, plus strand): 5'-TTCAGCTCCCACCCGCTCCTCCACACACAGACAGTGACATACTCTGCCTGCCTGGGGACA[T>A]CGTGCCTGCTCCGGGCCCCGTGCTGGCGCCTACGCACCTGCAGACAGAGCTGGTGCTGAG-3'
Protein context (NP_703190.2, residues 43-63): DSDILCLPGD[Ile53Asn]VPAPGPVLAP